The following is an entry in ClinVar:

ClinVar aggregate classification (germline): Conflicting classifications of pathogenicity. Review status: criteria provided, conflicting classifications (1 of 4 stars). 4 submissions from 4 submitters: Uncertain significance (1); Likely benign (3). Last evaluated 2023-08-22.

Conditions:
Dilated cardiomyopathy 1KK (CMD1KK). Identifiers: Orphanet 154, Orphanet 75249, MedGen C3714995, MONDO:0014100, OMIM 615248.
Cardiomyopathy (CMYO). Also called: Cardiomyopathies. Identifiers: Orphanet 167848, MedGen C0878544, MONDO:0004994, HP:0001638. Inheritance: Various modes of inheritance.
Cardiovascular phenotype. Identifiers: MedGen CN230736.

Allele frequency attached by ClinVar (database versions not stated): gnomAD 0.00001; TOPMed 0.00005; gnomAD exomes 0.00015; ExAC 0.00016.
gnomAD v4.1: 40 of 1,614,032 alleles (0.0025%); highest among the groups gnomAD compares: Admixed American, 0.065%; no homozygotes.

Submissions (4):

Ambry Genetics
Classification: Likely benign for Cardiovascular phenotype. Last evaluated: 2023-08-22. Review status: criteria provided, single submitter. Criteria: Ambry Variant Classification Scheme 2023. Collection method: clinical testing. Allele origin: germline.

Labcorp Genetics (formerly Invitae), Labcorp
Classification: Uncertain significance for Dilated cardiomyopathy 1KK. Last evaluated: 2022-09-07. Review status: criteria provided, single submitter. Criteria: Invitae Variant Classification Sherloc (09022015). Collection method: clinical testing. Allele origin: germline.
Comment: This sequence change replaces arginine, which is basic and polar, with threonine, which is neutral and polar, at codon 137 of the MYPN protein (p.Arg137Thr). This variant is present in population databases (rs765931465, gnomAD 0.1%). This variant has not been reported in the literature in individuals affected with MYPN-related conditions. ClinVar contains an entry for this variant (Variation ID: 520301). Algorithms developed to predict the effect of missense changes on protein structure and function are either unavailable or do not agree on the potential impact of this missense change (SIFT: "Deleterious"; PolyPhen-2: "Benign"; Align-GVGD: "Class C0"). In summary, the available evidence is currently insufficient to determine the role of this variant in disease. Therefore, it has been classified as a Variant of Uncertain Significance.

Center for Advanced Laboratory Medicine, UC San Diego Health, University of California San Diego
Classification: Likely benign for Cardiomyopathy. Last evaluated: 2018-10-02. Review status: criteria provided, single submitter. Criteria: ACMG Guidelines, 2015. Collection method: clinical testing. Allele origin: germline. Affected: yes. Observed: 1 variant allele.

GeneDx
Classification: Likely benign. Last evaluated: 2018-06-04. Review status: criteria provided, single submitter. Criteria: GeneDx Variant Classification (06012015). Collection method: clinical testing. Allele origin: germline. Affected: yes.
Comment: This variant is considered likely benign or benign based on one or more of the following criteria: it is a conservative change, it occurs at a poorly conserved position in the protein, it is predicted to be benign by multiple in silico algorithms, and/or has population frequency not consistent with disease.

NM_032578.4(MYPN):c.410G>C (p.Arg137Thr)

Gene: MYPN (myopalladin; plus strand). Cytogenetic location: 10q21.3.
Variant type: single nucleotide variant.
Coding change: c.410G>C on transcript NM_032578.4 (MANE Select); coding-DNA position 410, G replaced by C.
Protein change: p.Arg137Thr; replaces arginine 137 with threonine.
Molecular consequence: missense variant. On other transcripts: 5 prime UTR variant (1), non-coding transcript variant (1).
Genome position (GRCh38, 1-based): chr10:68,121,848, G>C. VCF-style: chr10-68121848-G-C. GRCh37 (hg19) VCF-style: chr10-69881605-G-C.
Other names: c.410G>C, p.Arg137Thr (NM_001256267.2); c.-713G>C (NM_001256268.2); short protein forms R137T.
Identifiers: ClinVar variation 520301 (VCV000520301.11), dbSNP rs765931465, ClinGen allele CA5522273.